The following is an entry in ClinVar:

ClinVar aggregate classification (germline): Uncertain significance. Review status: criteria provided, multiple submitters, no conflicts (2 of 4 stars). 2 submissions from 2 submitters: Uncertain significance (2). Last evaluated 2023-12-05.

Conditions:
Hereditary cancer-predisposing syndrome. Also called: Tumor predisposition; Neoplastic Syndromes, Hereditary; Hereditary neoplastic syndrome; Hereditary Cancer Syndrome. Identifiers: Orphanet 140162, MedGen C0027672, MeSH D009386, MONDO:0015356.
Familial cancer of breast. Also called: hereditary breast carcinoma; BREAST CANCER, FAMILIAL; Hereditary breast cancer. Identifiers: Orphanet 227535, MedGen C0346153, MONDO:0016419, OMIM 114480. Disease mechanism: loss of function.

Submissions (2):

Color Diagnostics, LLC DBA Color Health
Classification: Uncertain significance for Hereditary cancer-predisposing syndrome. Last evaluated: 2023-12-05. Review status: criteria provided, single submitter. Criteria: ACMG Guidelines, 2015. Collection method: clinical testing. Allele origin: germline.
Comment: This missense variant replaces glycine with cysteine at codon 257 of the PALB2 protein. Computational prediction suggests that this variant may not impact protein structure and function (internally defined REVEL score threshold <= 0.5, PMID: 27666373). To our knowledge, functional studies have not been reported for this variant. This variant has not been reported in individuals affected with PALB2-related disorders in the literature. This variant has not been identified in the general population by the Genome Aggregation Database (gnomAD). The available evidence is insufficient to determine the role of this variant in disease conclusively. Therefore, this variant is classified as a Variant of Uncertain Significance.

Labcorp Genetics (formerly Invitae), Labcorp
Classification: Uncertain significance for Familial cancer of breast. Last evaluated: 2023-07-12. Review status: criteria provided, single submitter. Criteria: Invitae Variant Classification Sherloc (09022015). Collection method: clinical testing. Allele origin: germline.
Comment: This variant is not present in population databases (gnomAD no frequency). This variant has not been reported in the literature in individuals affected with PALB2-related conditions. ClinVar contains an entry for this variant (Variation ID: 631455). An algorithm developed to predict the effect of missense changes on protein structure and function (PolyPhen-2) suggests that this variant is likely to be tolerated. In summary, the available evidence is currently insufficient to determine the role of this variant in disease. Therefore, it has been classified as a Variant of Uncertain Significance. This sequence change replaces glycine, which is neutral and non-polar, with cysteine, which is neutral and slightly polar, at codon 257 of the PALB2 protein (p.Gly257Cys).

NM_024675.4(PALB2):c.769G>T (p.Gly257Cys)

Gene: PALB2 (partner and localizer of BRCA2; minus strand). Cytogenetic location: 16p12.2.
Variant type: single nucleotide variant.
Coding change: c.769G>T on transcript NM_024675.4 (MANE Select); coding-DNA position 769, G replaced by T.
Protein change: p.Gly257Cys; replaces glycine 257 with cysteine.
Molecular consequence: missense variant.
Genome position (GRCh38, 1-based): chr16:23,635,777, C>A on the plus strand (G>T on the coding strand, the complement: PALB2 is on the minus strand). VCF-style: chr16-23635777-C-A. GRCh37 (hg19) VCF-style: chr16-23647098-C-A.
Other names: short protein forms G257C.
Identifiers: ClinVar variation 631455 (VCV000631455.8), dbSNP rs587780824, ClinGen allele CA395136118.
Genomic context (GRCh38, chr16:23,635,777, plus strand): 5'-CGTGAGTAGTAAGTTCACTGCTACCTTTAGGAGGAATGTGTTCAAGGTGCTGACTACTAC[C>A]GCTATCTGATAGAGTCTGTAAAGGAACTGTAGTCGCCCTGGTGAAATTAGGTCTTCTTAG-3'
Protein context (NP_078951.2, residues 247-267): TVPLQTLSDS[Gly257Cys]SSQHLEHIPP